The following is an entry in ClinVar:

ClinVar aggregate classification (germline): Uncertain significance (1 of 4 stars; one submission).

Submission:

Greenwood Genetic Center Diagnostic Laboratories, Greenwood Genetic Center
Classification: Uncertain significance. Last evaluated: 2024-07-25. Review status: criteria provided, single submitter. Criteria: ACMG Guidelines, 2015. Collection method: clinical testing. Allele origin: germline. Affected: yes.
Comment: PM2, BP4, PP2

NM_004380.3(CREBBP):c.2563C>T (p.Pro855Ser)

Gene: CREBBP (CREB binding protein; minus strand). Cytogenetic location: 16p13.3.
Variant type: single nucleotide variant.
Coding change: c.2563C>T on transcript NM_004380.3 (MANE Select); coding-DNA position 2563, C replaced by T.
Protein change: p.Pro855Ser; replaces proline 855 with serine.
Molecular consequence: missense variant.
Genome position (GRCh38, 1-based): chr16:3,770,887, G>A on the plus strand (C>T on the coding strand, the complement: CREBBP is on the minus strand). VCF-style: chr16-3770887-G-A. GRCh37 (hg19) VCF-style: chr16-3820888-G-A.
Other names: c.2449C>T, p.Pro817Ser (NM_001079846.1); short protein forms P817S, P855S.
Identifiers: ClinVar variation 3765870 (VCV003765870.1).